The following is an entry in ClinVar:

ClinVar aggregate classification (germline): Uncertain significance (1 of 4 stars; one submission).

Conditions:
Marfan syndrome (MFS). Also called: FBN1-Related Marfan Syndrome; MARFAN SYNDROME, TYPE I; Marfan syndrome type 1; Marfan's syndrome; Marfan syndrome, classic. Identifiers: Orphanet 284963, Orphanet 558, MedGen C0024796, MONDO:0007947, OMIM 154700.
Familial thoracic aortic aneurysm and aortic dissection (TAAD). Also called: Thoracic aortic aneurysms and dissections. Identifiers: Orphanet 91387, MedGen C4707243, MONDO:0019625.

Submission:

Labcorp Genetics (formerly Invitae), Labcorp
Classification: Uncertain significance for Marfan syndrome; Familial thoracic aortic aneurysm and aortic dissection. Last evaluated: 2019-09-30. Review status: criteria provided, single submitter. Criteria: Invitae Variant Classification Sherloc (09022015). Collection method: clinical testing. Allele origin: germline.
Comment: This sequence change falls in intron 18 of the FBN1 gene. It does not directly change the encoded amino acid sequence of the FBN1 protein, but it affects a nucleotide within the consensus splice site of the intron. This variant is not present in population databases (ExAC no frequency). This variant has not been reported in the literature in individuals with FBN1-related conditions. Nucleotide substitutions within the consensus splice site are a relatively common cause of aberrant splicing (PMID: 17576681, 9536098). Algorithms developed to predict the effect of sequence changes on RNA splicing suggest that this variant may disrupt the consensus splice site, but this prediction has not been confirmed by published transcriptional studies. In summary, the available evidence is currently insufficient to determine the role of this variant in disease. Therefore, it has been classified as a Variant of Uncertain Significance.

Literature cited by the submitters: PubMed 17576681; PubMed 9536098.

NM_000138.5(FBN1):c.2167+2dup

Gene: FBN1 (fibrillin 1; minus strand). Cytogenetic location: 15q21.1.
Variant type: Duplication.
Coding change: c.2167+2dup on transcript NM_000138.5 (MANE Select); the canonical splice donor site of the intron after coding-DNA position 2167, one base duplicated (T; older notation c.2167+2dupT).
Molecular consequence: splice donor variant.
Genome position (GRCh38, 1-based): chr15:48,498,983, A duplicated on the plus strand (T on the coding strand, the reverse complement: FBN1 is on the minus strand). VCF-style (leftmost placement, unchanged base first): chr15-48498982-T-TA. GRCh37 (hg19) VCF-style: chr15-48791179-T-TA.
Identifiers: ClinVar variation 960083 (VCV000960083.7), dbSNP rs2043632840, ClinGen allele CA1139663972.
Genomic context (GRCh38, chr15:48,498,982, plus strand): 5'-CAAGAAAGCCTGATGCTGCCTCTGCACATACTGAAGGTAGTAAATTTTGAAAGGAATCCT[T>TA]ACCACTGCCTGCTGACGTCATTCCTGGCCCACTGCTGCAGAGTGCCTGATATTCCGCTGC-3'